The following is an entry in ClinVar:

NM_020975.6(RET):c.1294_1296delinsACG (p.Ala432Thr)

Gene: RET (ret proto-oncogene; plus strand). Cytogenetic location: 10q11.21.
Variant type: Indel.
Coding change: c.1294_1296delinsACG on transcript NM_020975.6 (MANE Select); coding-DNA positions 1294 to 1296, GCA replaced by ACG.
Protein change: p.Ala432Thr; replaces alanine 432 with threonine.
Molecular consequence: missense variant.
Genome position (GRCh38, 1-based): chr10:43,111,237-43,111,239, GCA replaced by ACG. VCF-style: chr10-43111237-GCA-ACG. GRCh37 (hg19) VCF-style: chr10-43606685-GCA-ACG.
Other names: c.1294_1296delGCAinsACG, p.Ala432Thr (NM_000323.2, NM_001406743.1, NM_001406744.1 and 7 more transcripts); c.532_534delGCAinsACG, p.Ala178Thr (NM_001355216.2); c.1165_1167delGCAinsACG, p.Ala389Thr (NM_001406761.1, NM_001406762.1, NM_001406764.1 and 1 more transcripts); c.1006_1008delGCAinsACG, p.Ala336Thr (NM_001406766.1, NM_001406767.1, NM_001406770.1); c.898_900delGCAinsACG, p.Ala300Thr (NM_001406769.1, NM_001406772.1); c.856_858delGCAinsACG, p.Ala286Thr (NM_001406771.1, NM_001406773.1); c.769_771delGCAinsACG, p.Ala257Thr (NM_001406774.1); c.568_570delGCAinsACG, p.Ala190Thr (NM_001406775.1, NM_001406776.1, NM_001406777.1 and 1 more transcripts); and 2 more; short protein forms A178T, A432T, A190T, A286T, A300T, A389T, A257T, A102T.
Identifiers: ClinVar variation 818826 (VCV000818826.9), dbSNP rs1588871051, ClinGen allele CA915945896.

ClinVar aggregate classification (germline): Uncertain significance. Review status: criteria provided, multiple submitters, no conflicts (2 of 4 stars). 3 submissions from 3 submitters: Uncertain significance (3). Last evaluated 2025-06-17.

Conditions:
Hereditary cancer-predisposing syndrome. Also called: Tumor predisposition; Hereditary neoplastic syndrome; Neoplastic Syndromes, Hereditary; Hereditary Cancer Syndrome. Identifiers: Orphanet 140162, MedGen C0027672, MeSH D009386, MONDO:0015356.
Multiple endocrine neoplasia, type 2 (MEN2). Identifiers: Orphanet 653, MedGen C4048306, MONDO:0019003. Disease mechanism: gain of function.

Submissions (3):

Color Diagnostics, LLC DBA Color Health
Classification: Uncertain significance for Multiple endocrine neoplasia, type 2. Last evaluated: 2025-06-17. Review status: criteria provided, single submitter. Criteria: ACMG Guidelines, 2015. Collection method: clinical testing. Allele origin: germline.
Comment: This missense variant replaces alanine with threonine at codon 432 of the RET protein. To our knowledge, functional studies have not been reported for this variant. This variant has not been reported in individuals affected with RET-related disorders in the literature. This variant has not been identified in the general population by the Genome Aggregation Database (gnomAD). The available evidence is insufficient to determine the role of this variant in disease conclusively. Therefore, this variant is classified as a Variant of Uncertain Significance.

Ambry Genetics
Classification: Uncertain significance for Hereditary cancer-predisposing syndrome. Last evaluated: 2024-04-24. Review status: criteria provided, single submitter. Criteria: Ambry Variant Classification Scheme 2023. Collection method: clinical testing. Allele origin: germline.
Comment: The c.1294_1296delGCAinsACG variant (also known as p.A432T), located in coding exon 7 of the RET gene, results from an in-frame deletion of GCA and insertion of ACG at nucleotide positions 1294 to 1296. This results in the substitution of the alanine residue for a threonine residue at codon 432, an amino acid with similar properties. This amino acid position is poorly conserved in available vertebrate species. In addition, this alteration is predicted to be neutral by in silico analysis (Choi Y et al. PLoS ONE. 2012; 7(10):e46688). Based on the available evidence, the clinical significance of this variant remains unclear.

GeneDx
Classification: Uncertain significance. Last evaluated: 2024-03-06. Review status: criteria provided, single submitter. Criteria: GeneDx Variant Classification Process June 2021. Collection method: clinical testing. Allele origin: germline. Affected: yes.
Comment: Has not been previously published as pathogenic or benign to our knowledge; Not observed at significant frequency in large population cohorts (gnomAD); In silico analysis supports that this variant does not alter protein structure/function; This variant is associated with the following publications: (PMID: 14633923)